The following is an entry in ClinVar:

ClinVar aggregate classification (germline): Uncertain significance (1 of 4 stars; one submission).

Submission:

CeGaT Center for Human Genetics Tuebingen
Classification: Uncertain significance. Last evaluated: 2026-07-01. Review status: criteria provided, single submitter. Criteria: CeGaT Center For Human Genetics Tuebingen Variant Classification Criteria Version 2. Collection method: clinical testing. Allele origin: germline. Affected: yes. Observed: 1 variant allele.
Comment: MED12: PM2, PP2

NM_005120.3(MED12):c.4931A>C (p.Gln1644Pro)

Gene: MED12 (mediator complex subunit 12; plus strand). Cytogenetic location: Xq13.1.
Variant type: single nucleotide variant.
Coding change: c.4931A>C on transcript NM_005120.3 (MANE Select); coding-DNA position 4931, A replaced by C.
Protein change: p.Gln1644Pro; replaces glutamine 1644 with proline.
Molecular consequence: missense variant.
Genome position (GRCh38, 1-based): chrX:71,135,159, A>C. VCF-style: chrX-71135159-A-C. GRCh37 (hg19) VCF-style: chrX-70355009-A-C.
Other names: short protein forms Q1644P.
Identifiers: ClinVar variation 4872068 (VCV004872068.2).